The following is an entry in ClinVar:

NM_203290.4(POLR1C):c.712G>C (p.Asp238His)

Gene: POLR1C (RNA polymerase I and III subunit C; plus strand). Cytogenetic location: 6p21.1.
Variant type: single nucleotide variant.
Coding change: c.712G>C on transcript NM_203290.4 (MANE Select); coding-DNA position 712, G replaced by C.
Protein change: p.Asp238His; replaces aspartic acid 238 with histidine.
Molecular consequence: missense variant.
Genome position (GRCh38, 1-based): chr6:43,520,681, G>C. VCF-style: chr6-43520681-G-C. GRCh37 (hg19) VCF-style: chr6-43488419-G-C.
Other names: c.712G>C, p.Asp238His (NM_001318876.2, NM_001363658.2); short protein forms D238H.
Identifiers: ClinVar variation 2990498 (VCV002990498.2), dbSNP rs1275359131, ClinGen allele CA364284545.

ClinVar aggregate classification (germline): Uncertain significance (1 of 4 stars; one submission).

Allele frequency attached by ClinVar (database versions not stated): gnomAD exomes below 0.00001; TOPMed 0.00001.
gnomAD v4.1: 1 of 1,614,168 alleles (0.000062%); highest among the groups gnomAD compares: Admixed American, 0.0017%; no homozygotes.

Submission:

Labcorp Genetics (formerly Invitae), Labcorp
Classification: Uncertain significance. Last evaluated: 2023-06-09. Review status: criteria provided, single submitter. Criteria: Invitae Variant Classification Sherloc (09022015). Collection method: clinical testing. Allele origin: germline.
Comment: In summary, the available evidence is currently insufficient to determine the role of this variant in disease. Therefore, it has been classified as a Variant of Uncertain Significance. Advanced modeling of protein sequence and biophysical properties (such as structural, functional, and spatial information, amino acid conservation, physicochemical variation, residue mobility, and thermodynamic stability) performed at Invitae indicates that this missense variant is not expected to disrupt POLR1C protein function. This variant has not been reported in the literature in individuals affected with POLR1C-related conditions. This variant is present in population databases (no rsID available, gnomAD 0.003%). This sequence change replaces aspartic acid, which is acidic and polar, with histidine, which is basic and polar, at codon 238 of the POLR1C protein (p.Asp238His).